The following is an entry in ClinVar:

NM_000784.4(CYP27A1):c.473G>T (p.Arg158Leu)

Gene: CYP27A1 (cytochrome P450 family 27 subfamily A member 1; plus strand). Cytogenetic location: 2q35.
Variant type: single nucleotide variant.
Coding change: c.473G>T on transcript NM_000784.4 (MANE Select); coding-DNA position 473, G replaced by T.
Protein change: p.Arg158Leu; replaces arginine 158 with leucine.
Molecular consequence: missense variant.
Genome position (GRCh38, 1-based): chr2:218,812,248, G>T. VCF-style: chr2-218812248-G-T. GRCh37 (hg19) VCF-style: chr2-219676971-G-T.
Other names: short protein forms R158L.
Identifiers: ClinVar variation 2156331 (VCV002156331.3), dbSNP rs761927223, ClinGen allele CA65832508.
Genomic context (GRCh38, chr2:218,812,248, plus strand): 5'-CTTATCTTTGTGCTGTTCCTCTGCGTCCCTGCAGGGAAGGACACCACTGGTACCAGCTGC[G>T]CCAGGCTCTGAACCAGCGGTTGCTGAAGCCAGCGGAAGCAGCGCTCTATACGGATGCTTT-3'
Protein context (NP_000775.1, residues 148-168): TTEGHHWYQL[Arg158Leu]QALNQRLLKP

ClinVar aggregate classification (germline): Uncertain significance (1 of 4 stars; one submission).

Conditions:
Cholestanol storage disease (CTX). Also called: CEREBRAL CHOLESTERINOSIS; CTX: Cerebrotendinous xanthomatosis; Cerebrotendinous Xanthomatosis. Identifiers: Orphanet 909, MedGen C0238052, MONDO:0008948, OMIM 213700.

Submission:

Labcorp Genetics (formerly Invitae), Labcorp
Classification: Uncertain significance for Cholestanol storage disease. Last evaluated: 2022-06-22. Review status: criteria provided, single submitter. Criteria: Invitae Variant Classification Sherloc (09022015). Collection method: clinical testing. Allele origin: germline.
Comment: This sequence change replaces arginine, which is basic and polar, with leucine, which is neutral and non-polar, at codon 158 of the CYP27A1 protein (p.Arg158Leu). This variant is not present in population databases (gnomAD no frequency). This variant has not been reported in the literature in individuals affected with CYP27A1-related conditions. Advanced modeling of protein sequence and biophysical properties (such as structural, functional, and spatial information, amino acid conservation, physicochemical variation, residue mobility, and thermodynamic stability) performed at Invitae indicates that this missense variant is expected to disrupt CYP27A1 protein function. In summary, the available evidence is currently insufficient to determine the role of this variant in disease. Therefore, it has been classified as a Variant of Uncertain Significance.